The following is an entry in ClinVar:

NM_005902.4(SMAD3):c.1180T>A (p.Cys394Ser)

Gene: SMAD3 (SMAD family member 3; plus strand). Cytogenetic location: 15q22.33.
Variant type: single nucleotide variant.
Coding change: c.1180T>A on transcript NM_005902.4 (MANE Select); coding-DNA position 1180, T replaced by A.
Protein change: p.Cys394Ser; replaces cysteine 394 with serine.
Molecular consequence: missense variant.
Genome position (GRCh38, 1-based): chr15:67,190,438, T>A. VCF-style: chr15-67190438-T-A. GRCh37 (hg19) VCF-style: chr15-67482776-T-A.
Other names: c.865T>A, p.Cys289Ser (NM_001145102.2, NM_001407016.1); c.1048T>A, p.Cys350Ser (NM_001145103.2, NM_001407012.1); c.595T>A, p.Cys199Ser (NM_001145104.2, NM_001407017.1); c.1291T>A, p.Cys431Ser (NM_001407011.1); c.1042T>A, p.Cys348Ser (NM_001407013.1); c.1033T>A, p.Cys345Ser (NM_001407014.1); c.733T>A, p.Cys245Ser (NM_001407015.1); short protein forms C199S, C394S, C348S, C350S, C289S, C245S, C345S, C431S.
Identifiers: ClinVar variation 4743750 (VCV004743750.1).

ClinVar aggregate classification (germline): Uncertain significance (1 of 4 stars; one submission).

Conditions:
Familial thoracic aortic aneurysm and aortic dissection (TAAD). Also called: Thoracic aortic aneurysms and dissections. Identifiers: Orphanet 91387, MedGen C4707243, MONDO:0019625.

Submission:

Labcorp Genetics (formerly Invitae), Labcorp
Classification: Uncertain significance for Familial thoracic aortic aneurysm and aortic dissection. Last evaluated: 2025-03-10. Review status: criteria provided, single submitter. Criteria: Invitae Variant Classification Sherloc (09022015). Collection method: clinical testing. Allele origin: germline.
Comment: This sequence change replaces cysteine, which is neutral and slightly polar, with serine, which is neutral and polar, at codon 394 of the SMAD3 protein (p.Cys394Ser). This variant is not present in population databases (gnomAD no frequency). This variant has not been reported in the literature in individuals affected with SMAD3-related conditions. Invitae Evidence Modeling of protein sequence and biophysical properties (such as structural, functional, and spatial information, amino acid conservation, physicochemical variation, residue mobility, and thermodynamic stability) indicates that this missense variant is expected to disrupt SMAD3 protein function with a positive predictive value of 80%. In summary, the available evidence is currently insufficient to determine the role of this variant in disease. Therefore, it has been classified as a Variant of Uncertain Significance.